The following is an entry in ClinVar:

ClinVar aggregate classification (germline): Uncertain significance (1 of 4 stars; one submission).

Conditions:
Developmental and epileptic encephalopathy, 34 (DEE34). Also called: Early infantile epileptic encephalopathy 34; SLC12A5-Related Epilepsy of Infancy with Migrating Focal Seizures. Identifiers: Orphanet 293181, MedGen C4225257, MONDO:0014718, OMIM 616645.

Submission:

Labcorp Genetics (formerly Invitae), Labcorp
Classification: Uncertain significance for Developmental and epileptic encephalopathy, 34. Last evaluated: 2024-10-25. Review status: criteria provided, single submitter. Criteria: Invitae Variant Classification Sherloc (09022015). Collection method: clinical testing. Allele origin: germline.
Comment: This sequence change falls in intron 17 of the SLC12A5 gene. It does not directly change the encoded amino acid sequence of the SLC12A5 protein. It affects a nucleotide within the consensus splice site. Information on the frequency of this variant in the gnomAD database is not available, as this variant may be reported differently in the database. This variant has not been reported in the literature in individuals affected with SLC12A5-related conditions. ClinVar contains an entry for this variant (Variation ID: 1358501). Variants that disrupt the consensus splice site are a relatively common cause of aberrant splicing (PMID: 17576681, 9536098). In summary, the available evidence is currently insufficient to determine the role of this variant in disease. Therefore, it has been classified as a Variant of Uncertain Significance.

Literature cited by the submitters: PubMed 17576681; PubMed 9536098.

NM_020708.5(SLC12A5):c.2181+5_2181+6delinsAA

Gene: SLC12A5 (solute carrier family 12 member 5; plus strand). Cytogenetic location: 20q13.12.
Variant type: Indel.
Coding change: c.2181+5_2181+6delinsAA on transcript NM_020708.5 (MANE Select); bases 5 to 6 of the intron after coding-DNA position 2181, GC replaced by AA.
Molecular consequence: intron variant.
Genome position (GRCh38, 1-based): chr20:46,049,795-46,049,796, GC replaced by AA. VCF-style: chr20-46049795-GC-AA. GRCh37 (hg19) VCF-style: chr20-44678434-GC-AA.
Other names: c.2250+5_2250+6delinsAA (NM_001134771.2).
Identifiers: ClinVar variation 1358501 (VCV001358501.6), dbSNP rs2145499747, ClinGen allele CA2573157115.